The following is an entry in ClinVar:

NM_025137.4(SPG11):c.5595A>G (p.Thr1865=)

Gene: SPG11 (SPG11 vesicle trafficking associated, spatacsin; minus strand). Cytogenetic location: 15q21.1.
Variant type: single nucleotide variant.
Coding change: c.5595A>G on transcript NM_025137.4 (MANE Select); coding-DNA position 5595, A replaced by G.
Protein change: p.Thr1865=; no amino-acid change (threonine 1865 retained).
Molecular consequence: synonymous variant.
Genome position (GRCh38, 1-based): chr15:44,584,085, T>C on the plus strand (A>G on the coding strand, the complement: SPG11 is on the minus strand). VCF-style: chr15-44584085-T-C. GRCh37 (hg19) VCF-style: chr15-44876283-T-C.
Other names: c.5595A>G, p.Thr1865= (NM_001160227.2).
Identifiers: ClinVar variation 316088 (VCV000316088.23), dbSNP rs375403626, ClinGen allele CA7534385.

ClinVar aggregate classification (germline): Conflicting classifications of pathogenicity. Review status: criteria provided, conflicting classifications (1 of 4 stars). 8 submissions from 6 submitters: Uncertain significance (4); Likely benign (4). Last evaluated 2025-09-01.

Conditions:
Charcot-Marie-Tooth disease axonal type 2X. Also called: CHARCOT-MARIE-TOOTH DISEASE, AXONAL, AUTOSOMAL RECESSIVE, TYPE 2X; CHARCOT-MARIE-TOOTH NEUROPATHY, TYPE 2X. Identifiers: Orphanet 466775, MedGen C5569024, MONDO:0014726, OMIM 616668.
Amyotrophic lateral sclerosis type 5 (ALS5). Also called: AMYOTROPHIC LATERAL SCLEROSIS 5, JUVENILE. Identifiers: Orphanet 300605, MedGen C1865864, MONDO:0011196, OMIM 602099.
Hereditary spastic paraplegia 11. Also called: Spastic Paraplegia 11; SPASTIC PARAPLEGIA, AUTOSOMAL RECESSIVE, COMPLICATED, WITH THIN CORPUS CALLOSUM; SPASTIC PARAPLEGIA, AUTOSOMAL RECESSIVE, WITH MENTAL IMPAIRMENT AND THIN CORPUS CALLOSUM; Spastic paraplegia, mental retardation and thin corpus callosum; Nakamura Osame syndrome; Autosomal recessive hereditary spastic paraplegia, mental impairment, and thin corpus callosum. Identifiers: Orphanet 2822, MedGen C1858479, MONDO:0011445, OMIM 604360.
Inborn genetic diseases. Identifiers: MedGen C0950123, MeSH D030342.

Allele frequency attached by ClinVar (database versions not stated): gnomAD 0.00001; gnomAD exomes 0.00001; ExAC 0.00002; TOPMed 0.00002; ESP Exome Variant Server 0.00008.
gnomAD v4.1: 17 of 1,614,152 alleles (0.0011%); highest among the groups gnomAD compares: Middle Eastern, 0.033%; no homozygotes.

Submissions (8):

CeGaT Center for Human Genetics Tuebingen
Classification: Likely benign. Last evaluated: 2025-09-01. Review status: criteria provided, single submitter. Criteria: CeGaT Center For Human Genetics Tuebingen Variant Classification Criteria Version 2. Collection method: clinical testing. Allele origin: germline. Affected: yes. Observed: 1 variant allele.
Comment: SPG11: BP4, BP7

Labcorp Genetics (formerly Invitae), Labcorp
Classification: Likely benign for Hereditary spastic paraplegia 11. Last evaluated: 2025-05-19. Review status: criteria provided, single submitter. Criteria: Invitae Variant Classification Sherloc (09022015). Collection method: clinical testing. Allele origin: germline.

Blueprint Genetics
Classification: Likely benign. Last evaluated: 2024-03-28. Review status: criteria provided, single submitter. Criteria: ACMG Guidelines, 2015. Collection method: clinical testing. Allele origin: germline.

Ambry Genetics
Classification: Likely benign for Inborn genetic diseases. Last evaluated: 2019-07-11. Review status: criteria provided, single submitter. Criteria: Ambry Variant Classification Scheme 2023. Collection method: clinical testing. Allele origin: germline.

Illumina Laboratory Services, Illumina
Classification: Uncertain significance for Hereditary spastic paraplegia 11. Last evaluated: 2018-01-13. Review status: criteria provided, single submitter. Criteria: ICSL Variant Classification Criteria 13 December 2019. Collection method: clinical testing. Allele origin: germline.

Genome-Nilou Lab
Classification: Uncertain significance for Amyotrophic lateral sclerosis type 5. Review status: criteria provided, single submitter. Criteria: ACMG Guidelines, 2015. Collection method: clinical testing. Allele origin: germline.

Genome-Nilou Lab
Classification: Uncertain significance for Charcot-Marie-Tooth disease axonal type 2X. Review status: criteria provided, single submitter. Criteria: ACMG Guidelines, 2015. Collection method: clinical testing. Allele origin: germline.

Genome-Nilou Lab
Classification: Uncertain significance for Hereditary spastic paraplegia 11. Review status: criteria provided, single submitter. Criteria: ACMG Guidelines, 2015. Collection method: clinical testing. Allele origin: germline.